The following continues an entry in ClinVar:

NM_005236.3(ERCC4):c.2395C>T (p.Arg799Trp)

Gene: ERCC4. ClinVar aggregate classification (germline): Conflicting classifications of pathogenicity. Pathogenic (11); Likely pathogenic (7); Uncertain significance (5).

Submissions 22 to 28 of 28:

Center for Genomics, Ann and Robert H. Lurie Children's Hospital of Chicago
Classification: Uncertain significance for Xeroderma pigmentosum, group F; XFE progeroid syndrome; Fanconi anemia complementation group Q. Review status: criteria provided, single submitter. Criteria: ACMG Guidelines, 2015. Collection method: clinical testing. Allele origin: germline.
Comment: ERCC4 NM_005236 exon 11 p.Arg799Trp (c.2395C>T): This variant has been reported in the literature in at least 5 individuals with features or a diagnosis of Xeroderma Pigmentosum-F as compound heterozygous or homozygous (Sijbers 1996 PMID: 8797827, Sijbers 1998 PMID:9579555, Kashiyama 2013 PMID:23623389, Marelli 2016 PMID:27528516, Carre 2017 PMID:28431612). This variant is present in 103/126562 Caucasian individuals in the Genome Aggregation Database. Please note, disease causing variants may be present in control databases at low frequencies, reflective of the general population and/or variable expressivity. This variant is present in ClinVar (Variation ID:16580). Evolutionary conservation and computational predictive tools suggest that this variant may impact the protein. In addition, functional studies have shown a deleterious effect of this variant (Sijbers 1998 PMID:9579555, de Laat 1998 PMID:9722633). However, these studies may not accurately represent in vivo biological function. In summary, data on this variant is insufficient for disease classification. Therefore, the clinical significance of this variant is uncertain

Wangler Lab, Baylor College of Medicine
Classification: Pathogenic for Xeroderma pigmentosum, group F. Review status: criteria provided, single submitter. Criteria: ACMG Guidelines, 2015. Collection method: clinical testing. Allele origin: unknown. Inheritance: Autosomal recessive inheritance. Affected: yes. Observed: 1 homozygote.
Comment: This missense ERCC4 variant at c.2395C>T (p.R799W) was seen on exome through the Texome project (R01HG011795). This variant has been described in individuals with ERCC4-related conditions (PMID: 8797827, 9579555, 20221251, 27528516). It has been observed in gnomAD with a frequency of 0.040% in the heterozygous state and has not been observed in the homozygous state (PM2). Functional studies suggest this variant is functionally defective (PMID: 9579555, 20221251) (PS3).This variant is predicted to be deleterious (CADD: 31.000) (PP3). The evolutionary conservation of this residue is high. We classify this variant as pathogenic.

CZECANCA consortium
Classification: Likely pathogenic for Carcinoma of pancreas. Last evaluated: 2021-03-04. Review status: no assertion criteria provided. Collection method: case-control. Allele origin: germline. Affected: yes. Observed: 4 variant alleles. Not counted in ClinVar's aggregate classification.

OMIM
Classification: Pathogenic for XFE PROGEROID SYNDROME. Last evaluated: 2019-04-04. Review status: no assertion criteria provided. Collection method: literature only. Allele origin: germline. Not counted in ClinVar's aggregate classification.

ITMI
No classification provided. Condition: AllHighlyPenetrant. Last evaluated: 2013-09-19. Review status: no classification provided. Collection method: reference population. Allele origin: germline. Not counted in ClinVar's aggregate classification.
Comment: Please see associated publication for description of ethnicities

OMIM
Classification: Pathogenic for XERODERMA PIGMENTOSUM, TYPE F. Last evaluated: 1998-05-01. Review status: no assertion criteria provided. Collection method: literature only. Allele origin: germline. Not counted in ClinVar's aggregate classification.

University of Washington Center for Mendelian Genomics, University of Washington
Classification: Likely pathogenic for Atypical Werner Syndrome. Review status: no assertion criteria provided. Collection method: research. Allele origin: unknown. Affected: yes. Not counted in ClinVar's aggregate classification.

Literature cited by the submitters: PubMed 8797827 (cited by 7 submitters); PubMed 20221251 (cited by 5 submitters); PubMed 23623389 (cited by Labcorp Genetics (formerly Invitae), Labcorp and Women's Health and Genetics/Laboratory Corporation of America, LabCorp); PubMed 26074087 (cited by Labcorp Genetics (formerly Invitae), Labcorp); PubMed 27356891 (cited by Labcorp Genetics (formerly Invitae), Labcorp); PubMed 27528516 (cited by 5 submitters); PubMed 28431612 (cited by 4 submitters); PubMed 28678401 (cited by 3 submitters); PubMed 28767289 (cited by 3 submitters); PubMed 29105242 (cited by 6 submitters); PubMed 29403087 (cited by 3 submitters); PubMed 29892709 (cited by 3 submitters); PubMed 9579555 (cited by 7 submitters); PubMed 31692161 (cited by Women's Health and Genetics/Laboratory Corporation of America, LabCorp); PubMed 21612988 (cited by Sema4 and Illumina Laboratory Services, Illumina); PubMed 24728327 (cited by Undiagnosed Diseases Network, NIH and ITMI); PubMed 21228398 (cited by Undiagnosed Diseases Network, NIH).